The following is an entry in ClinVar:

NM_014159.7(SETD2):c.6664C>T (p.Pro2222Ser)

Gene: SETD2 (SET domain containing 2, histone lysine methyltransferase; minus strand). Cytogenetic location: 3p21.31.
Variant type: single nucleotide variant.
Coding change: c.6664C>T on transcript NM_014159.7 (MANE Select); coding-DNA position 6664, C replaced by T.
Protein change: p.Pro2222Ser; replaces proline 2222 with serine.
Molecular consequence: missense variant. On other transcripts: non-coding transcript variant (1).
Genome position (GRCh38, 1-based): chr3:47,057,120, G>A on the plus strand (C>T on the coding strand, the complement: SETD2 is on the minus strand). VCF-style: chr3-47057120-G-A. GRCh37 (hg19) VCF-style: chr3-47098610-G-A.
Other names: c.6532C>T, p.Pro2178Ser (NM_001349370.3); short protein forms P2222S, P2178S.
Identifiers: ClinVar variation 135207 (VCV000135207.7), dbSNP rs587778666, ClinGen allele CA162014.
Genomic context (GRCh38, chr3:47,057,120, plus strand): 5'-CCACATACTGGGAACTGGAAACTTCCACAGGAGCTGCCACATGTGGCACCACTGGTACTG[G>A]TGGAGGGGCAGAAAGGGGTTCTGTAGAATGTCCCACCAAGGGCTGAGCATGATCATAAGG-3'
Protein context (NP_054878.5, residues 2212-2232): HSTEPLSAPP[Pro2222Ser]VPVVPHVAAP

ClinVar aggregate classification (germline): Benign. Review status: criteria provided, single submitter (1 of 4 stars). 2 submissions from 2 submitters: Benign (1). 1 of the submissions does not count toward it. Last evaluated 2025-08-26.

Conditions:
Luscan-Lumish syndrome. Identifiers: Orphanet 597738, MedGen C4085873, MONDO:0014791, OMIM 616831.

Allele frequency attached by ClinVar (database versions not stated): ExAC 0.00001; gnomAD 0.00001; gnomAD exomes 0.00001; TOPMed 0.00003.
gnomAD v4.1: 6 of 1,614,124 alleles (0.00037%); highest among the groups gnomAD compares: Admixed American, 0.005%; no homozygotes.

Submissions (2):

Labcorp Genetics (formerly Invitae), Labcorp
Classification: Benign for Luscan-Lumish syndrome. Last evaluated: 2025-08-26. Review status: criteria provided, single submitter. Criteria: Invitae Variant Classification Sherloc (09022015). Collection method: clinical testing. Allele origin: germline.

ITMI
No classification provided. Condition: AllHighlyPenetrant. Last evaluated: 2013-09-19. Review status: no classification provided. Collection method: reference population. Allele origin: germline. Not counted in ClinVar's aggregate classification.
Comment: Please see associated publication for description of ethnicities

Literature cited by the submitters: PubMed 24728327 (cited by ITMI).